The following is an entry in ClinVar:

NM_000441.2(SLC26A4):c.895C>T (p.Pro299Ser)

Gene: SLC26A4 (solute carrier family 26 member 4; plus strand). Cytogenetic location: 7q22.3.
Variant type: single nucleotide variant.
Coding change: c.895C>T on transcript NM_000441.2 (MANE Select); coding-DNA position 895, C replaced by T.
Protein change: p.Pro299Ser; replaces proline 299 with serine.
Molecular consequence: missense variant.
Genome position (GRCh38, 1-based): chr7:107,683,331, C>T. VCF-style: chr7-107683331-C-T. GRCh37 (hg19) VCF-style: chr7-107323776-C-T.
Other names: short protein forms P299S.
Identifiers: ClinVar variation 1306822 (VCV001306822.2), dbSNP rs2129314504, ClinGen allele CA368835474.
Genomic context (GRCh38, chr7:107,683,331, plus strand): 5'-ATTGTCGTCTGTATGGCAGTTAAGGAATTAAATGATCGGTTTAGACACAAAATCCCAGTC[C>T]CTATTCCTATAGAAGTAATTGTGGTAAGTAGAATATGTAGTTAGAAAGTTCAGCATTATT-3'
Protein context (NP_000432.1, residues 289-309): NDRFRHKIPV[Pro299Ser]IPIEVIVTII

ClinVar aggregate classification (germline): Uncertain significance (1 of 4 stars; one submission).

Submission:

GeneDx
Classification: Uncertain significance. Last evaluated: 2019-07-05. Review status: criteria provided, single submitter. Criteria: GeneDx Variant Classification Process June 2021. Collection method: clinical testing. Allele origin: germline. Affected: yes.
Comment: Not observed in large population cohorts (Lek et al., 2016); In silico analysis, which includes protein predictors and evolutionary conservation, supports a deleterious effect; Has not been previously published as pathogenic or benign to our knowledge